The following is an entry in ClinVar:

NM_001754.5(RUNX1):c.651G>A (p.Gly217=)

Gene: RUNX1 (RUNX family transcription factor 1; minus strand). Cytogenetic location: 21q22.12.
Variant type: single nucleotide variant.
Coding change: c.651G>A on transcript NM_001754.5 (MANE Select); coding-DNA position 651, G replaced by A.
Protein change: p.Gly217=; no amino-acid change (glycine 217 retained).
Molecular consequence: synonymous variant.
Genome position (GRCh38, 1-based): chr21:34,834,564, C>T on the plus strand (G>A on the coding strand, the complement: RUNX1 is on the minus strand). VCF-style: chr21-34834564-C-T. GRCh37 (hg19) VCF-style: chr21-36206861-C-T.
Other names: NM_001754.5(RUNX1):c.651G>A; p.Gly217=; c.570G>A, p.Gly190= (NM_001001890.3, NM_001122607.2); c.651G>A (NM_001754.4).
Identifiers: ClinVar variation 1083150 (VCV001083150.11), dbSNP rs1569037346, ClinGen allele CA512318685.

ClinVar aggregate classification (germline): Likely benign. Review status: reviewed by expert panel (3 of 4 stars). 3 submissions from 3 submitters: Likely benign (1). 2 of the submissions do not count toward it. Last evaluated 2024-07-11.

Conditions:
Inborn genetic diseases. Identifiers: MedGen C0950123, MeSH D030342.
Hereditary thrombocytopenia and hematologic cancer predisposition syndrome. Identifiers: Orphanet 71290, MedGen CN281654, MONDO:0011071.
Hereditary thrombocytopenia and hematological cancer predisposition syndrome associated with RUNX1. Also called: PLATELET DISORDER, ASPIRIN-LIKE; RUNX1 Familial Platelet Disorder with Associated Myeloid Malignancies; Familial Platelet Disorder with Propensity to Acute Myelogenous Leukemia; Familial thrombocytopenia with propensity to acute myelogenous leukemia. Identifiers: Orphanet 71290, MedGen C1832388, MeSH C563324, MONDO:0100083, OMIM 601399.

gnomAD v4.1: 3 of 1,612,418 alleles (0.00019%); highest among the groups gnomAD compares: Non-Finnish European, 0.00017%; no homozygotes.

Submissions (3):

ClinGen Myeloid Malignancy Variant Curation Expert Panel
Classification: Likely benign for Hereditary thrombocytopenia and hematologic cancer predisposition syndrome. Last evaluated: 2024-07-11. Review status: reviewed by expert panel. Criteria: ClinGen MyeloMalig ACMG Specifications v2. Collection method: curation. Allele origin: germline. Inheritance: Autosomal dominant inheritance.
Comment: NM_001754.5(RUNX1):c.651G>A (p.Gly217=) is a synonymous variant with a SpliceAI Δ score ≤ 0.20 (0.00) (BP4). Evolutionary conservation algorithms predict the site as not being conserved (PhyloP score 1.06724 < 2.0) (BP7). It is completely absent from all population databases with at least 20x coverage for RUNX1 (PM2_Supporting). In summary, the clinical significance of this variant is likely benign. ACMG/AMP criteria applied, as specified by the Myeloid Malignancy Variant Curation Expert Panel for RUNX1: BP4, BP7, PM2_supporting.

Ambry Genetics
Classification: Likely benign for Inborn genetic diseases. Last evaluated: 2025-07-13. Review status: criteria provided, single submitter. Criteria: Ambry Variant Classification Scheme 2023. Collection method: clinical testing. Allele origin: germline. Not counted in ClinVar's aggregate classification.

Labcorp Genetics (formerly Invitae), Labcorp
Classification: Likely benign for Hereditary thrombocytopenia and hematological cancer predisposition syndrome associated with RUNX1. Last evaluated: 2021-08-04. Review status: criteria provided, single submitter. Criteria: Invitae Variant Classification Sherloc (09022015). Collection method: clinical testing. Allele origin: germline. Not counted in ClinVar's aggregate classification.